The following is an entry in ClinVar:

ClinVar aggregate classification (germline): Benign (1 of 4 stars; one submission).

Allele frequency attached by ClinVar (database versions not stated): 1000 Genomes Project 0.48423; 1000 Genomes Project 30x 0.49079; TOPMed 0.54901.
gnomAD v4.1: 83,699 of 151,768 alleles (55%); highest among the groups gnomAD compares: Middle Eastern, 64%; 23,584 homozygotes.

Submission:

GeneDx
Classification: Benign. Last evaluated: 2018-06-14. Review status: criteria provided, single submitter. Criteria: GeneDx Variant Classification (06012015). Collection method: clinical testing. Allele origin: germline. Affected: yes.
Comment: This variant is considered likely benign or benign based on one or more of the following criteria: it is a conservative change, it occurs at a poorly conserved position in the protein, it is predicted to be benign by multiple in silico algorithms, and/or has population frequency not consistent with disease.

NM_014317.5(PDSS1):c.337-209C>T

Gene: PDSS1 (decaprenyl diphosphate synthase subunit 1; plus strand). Cytogenetic location: 10p12.1.
Variant type: single nucleotide variant.
Coding change: c.337-209C>T on transcript NM_014317.5 (MANE Select); 209 bases into the intron before coding-DNA position 337, C replaced by T.
Molecular consequence: intron variant.
Genome position (GRCh38, 1-based): chr10:26,709,429, C>T. VCF-style: chr10-26709429-C-T. GRCh37 (hg19) VCF-style: chr10-26998358-C-T.
Other names: c.-257-209C>T (NM_001321979.2); c.337-209C>T (NM_001321978.2).
Identifiers: ClinVar variation 671585 (VCV000671585.1), dbSNP rs1780182, ClinGen allele CA13262091.